The following is an entry in ClinVar:

GRCh37/hg19 2q24.1(chr2:156828817-158377885)x1

Genes: CYTIP (cytohesin 1 interacting protein; minus strand), ERMN (ermin; minus strand), GALNT5 (polypeptide N-acetylgalactosaminyltransferase 5; plus strand), GPD2 (glycerol-3-phosphate dehydrogenase 2; plus strand), NR4A2 (nuclear receptor subfamily 4 group A member 2; minus strand). Cytogenetic location: 2q24.1.
Variant type: copy number loss.
Change: copy number 1 (one copy instead of two) of chr2:156,828,817-158,377,885 (1.55 Mb, GRCh37 coordinates, 1-based), cytogenetic band 2q24.1.
Identifiers: ClinVar variation 2684808 (VCV002684808.1).

ClinVar aggregate classification (germline): Pathogenic (1 of 4 stars; one submission).

Submission:

Quest Diagnostics Nichols Institute San Juan Capistrano
Classification: Pathogenic. Last evaluated: 2023-04-17. Review status: criteria provided, single submitter. Criteria: ACMG/ClinGen CNV Guidelines, 2019. Collection method: clinical testing. Allele origin: unknown.
Comment: The 2q24.1 deletion involves multiple protein-coding genes, including NR4A2 (OMIM 601828). Haploinsufficiency of NR4A2 is associated with autosomal dominant intellectual developmental disorder with language impairment and early-onset dopa-responsive dystonia-parkinsonism (IDLDP; OMIM 619911, Rehm 2015). There is phenotypic heterogeneity and the severity is highly variable. Therefore, this copy number variant (CNV) is classified as pathogenic. References: Rehm et al., N Engl J Med. 2015 Jun 4;372(23):2235-42. PMID: 26014595 (ClinGen HGNC: 7981)